The following is an entry in ClinVar:

NM_004667.6(HERC2):c.6729C>T (p.Thr2243=)

Gene: HERC2 (HECT and RLD domain containing E3 ubiquitin protein ligase 2; minus strand). Cytogenetic location: 15q13.1.
Variant type: single nucleotide variant.
Coding change: c.6729C>T on transcript NM_004667.6 (MANE Select); coding-DNA position 6729, C replaced by T.
Protein change: p.Thr2243=; no amino-acid change (threonine 2243 retained).
Molecular consequence: synonymous variant.
Genome position (GRCh38, 1-based): chr15:28,213,799, G>A on the plus strand (C>T on the coding strand, the complement: HERC2 is on the minus strand). VCF-style: chr15-28213799-G-A. GRCh37 (hg19) VCF-style: chr15-28458945-G-A.
Identifiers: ClinVar variation 2672581 (VCV002672581.23), dbSNP rs765232326, ClinGen allele CA7441956.

ClinVar aggregate classification (germline): Likely benign (1 of 4 stars; one submission).

Allele frequency attached by ClinVar (database versions not stated): ExAC 0.00001; gnomAD 0.00003; TOPMed 0.00003; gnomAD exomes 0.00001.
gnomAD v4.1: 18 of 1,613,886 alleles (0.0011%); highest among the groups gnomAD compares: African/African-American, 0.0053%; no homozygotes.

Submission:

CeGaT Center for Human Genetics Tuebingen
Classification: Likely benign. Last evaluated: 2023-10-01. Review status: criteria provided, single submitter. Criteria: CeGaT Center For Human Genetics Tuebingen Variant Classification Criteria Version 2. Collection method: clinical testing. Allele origin: germline. Affected: yes. Observed: 1 variant allele.
Comment: HERC2: BP4, BP7